The following is an entry in ClinVar:

ClinVar aggregate classification (germline): Likely pathogenic (1 of 4 stars; one submission).

Conditions:
Leber congenital amaurosis 8 (LCA8). Identifiers: Orphanet 65, MedGen C3151202, MONDO:0013453, OMIM 613835.
Retinitis pigmentosa 12 (RP12). Also called: RP WITH OR WITHOUT PPRPE; RP WITH OR WITHOUT PRESERVED PARAARTERIOLE RETINAL PIGMENT EPITHELIUM; RETINITIS PIGMENTOSA WITH OR WITHOUT PARAARTERIOLAR PRESERVATION OF RETINAL PIGMENT EPITHELIUM. Identifiers: Orphanet 791, MedGen C1838647, MONDO:0010818, OMIM 600105.
Pigmented paravenous retinochoroidal atrophy. Identifiers: Orphanet 251295, MedGen C1868310, MONDO:0008246, OMIM 172870.

Submission:

Juno Genomics, Hangzhou Juno Genomics, Inc
Classification: Likely pathogenic for Leber congenital amaurosis 8; Pigmented paravenous retinochoroidal atrophy; Retinitis pigmentosa 12. Review status: criteria provided, single submitter. Criteria: ACMG Guidelines, 2015. Collection method: clinical testing. Allele origin: germline.
Comment: Null variant in a gene where loss of function (LOF) is a known mechanism of disease.;Absent from controls (or at extremely low frequency if recessive) in Genome Aggregation Database.

NM_201253.3(CRB1):c.70dup (p.Asn24fs)

Gene: CRB1 (crumbs cell polarity complex component 1; plus strand). Cytogenetic location: 1q31.3.
Variant type: Duplication.
Coding change: c.70dup on transcript NM_201253.3 (MANE Select); coding-DNA position 70, one base duplicated (A; older notation c.70dupA).
Protein change: p.Asn24fs; shifts the reading frame from asparagine 24.
Molecular consequence: frameshift variant. On other transcripts: non-coding transcript variant (2), intron variant (1).
Genome position (GRCh38, 1-based): chr1:197,268,482, A duplicated; the last of 5 consecutive A bases (chr1:197,268,478-197,268,482); duplicating any one gives the same sequence. VCF-style (leftmost placement, unchanged base first): chr1-197268477-T-TA. GRCh37 (hg19) VCF-style: chr1-197237607-T-TA.
Other names: c.70dup, p.Asn24fs (NM_001193640.2, NM_001257966.2); c.-212-33958dup (NM_001257965.2); short protein forms N24fs.
Identifiers: ClinVar variation 5005523 (VCV005005523.2).